The following is an entry in ClinVar:

ClinVar aggregate classification (germline): Uncertain significance (1 of 4 stars; one submission).

Submission:

Labcorp Genetics (formerly Invitae), Labcorp
Classification: Uncertain significance. Last evaluated: 2024-04-10. Review status: criteria provided, single submitter. Criteria: Invitae Variant Classification Sherloc (09022015). Collection method: clinical testing. Allele origin: germline.
Comment: This sequence change replaces proline, which is neutral and non-polar, with histidine, which is basic and polar, at codon 68 of the CPA1 protein (p.Pro68His). This variant is not present in population databases (gnomAD no frequency). This variant has not been reported in the literature in individuals affected with CPA1-related conditions. ClinVar contains an entry for this variant (Variation ID: 1471019). Advanced modeling of protein sequence and biophysical properties (such as structural, functional, and spatial information, amino acid conservation, physicochemical variation, residue mobility, and thermodynamic stability) has been performed at Invitae for this missense variant, however the output from this modeling did not meet the statistical confidence thresholds required to predict the impact of this variant on CPA1 protein function. In summary, the available evidence is currently insufficient to determine the role of this variant in disease. Therefore, it has been classified as a Variant of Uncertain Significance.

NM_001868.4(CPA1):c.203C>A (p.Pro68His)

Gene: CPA1 (carboxypeptidase A1; plus strand). Cytogenetic location: 7q32.2.
Variant type: single nucleotide variant.
Coding change: c.203C>A on transcript NM_001868.4 (MANE Select); coding-DNA position 203, C replaced by A.
Protein change: p.Pro68His; replaces proline 68 with histidine.
Molecular consequence: missense variant.
Genome position (GRCh38, 1-based): chr7:130,381,685, C>A. VCF-style: chr7-130381685-C-A. GRCh37 (hg19) VCF-style: chr7-130021526-C-A.
Other names: short protein forms P68H.
Identifiers: ClinVar variation 1471019 (VCV001471019.8), dbSNP rs868920245, ClinGen allele CA369279764.
Genomic context (GRCh38, chr7:130,381,685, plus strand): 5'-CCCAGCTGGACTTCTGGCGGGGGCCTGCCCACCCTGGCTCCCCCATCGACGTCCGAGTGC[C>A]CTTCCCCAGCATCCAGGCGGTCAAGATCTTTCTGGAGTCCCACGGCATCAGCTATGAGAC-3'
Protein context (NP_001859.1, residues 58-78): HPGSPIDVRV[Pro68His]FPSIQAVKIF